The following is an entry in ClinVar:

ClinVar aggregate classification (germline): Uncertain significance (1 of 4 stars; one submission).

Submission:

GeneDx
Classification: Uncertain significance. Last evaluated: 2026-03-18. Review status: criteria provided, single submitter. Criteria: GeneDx Variant Classification Process June 2021. Collection method: clinical testing. Allele origin: germline.
Comment: Not observed at significant frequency in large population cohorts (gnomAD); In silico analysis suggests that this missense variant does not alter protein structure/function; Has not been previously published as pathogenic or benign to our knowledge

NM_020699.4(GATAD2B):c.800C>T (p.Ala267Val)

Gene: GATAD2B (GATA zinc finger domain containing 2B; minus strand). Cytogenetic location: 1q21.3.
Variant type: single nucleotide variant.
Coding change: c.800C>T on transcript NM_020699.4 (MANE Select); coding-DNA position 800, C replaced by T.
Protein change: p.Ala267Val; replaces alanine 267 with valine.
Molecular consequence: missense variant.
Genome position (GRCh38, 1-based): chr1:153,817,472, G>A on the plus strand (C>T on the coding strand, the complement: GATAD2B is on the minus strand). VCF-style: chr1-153817472-G-A. GRCh37 (hg19) VCF-style: chr1-153789948-G-A.
Other names: short protein forms A267V.
Identifiers: ClinVar variation 5017016 (VCV005017016.1).
Genomic context (GRCh38, chr1:153,817,472, plus strand): 5'-GTGCGTACAAGGCCAGGCTTAGGCGGGCCCCGCTGACCCTGTAGCTGGGCTGGGTTTGGT[G>A]CAATAACACGTTGAGACATCAACATGTGTGGAAGGGTGGTATTGGTAGCTGAACGGATGA-3'
Protein context (NP_065750.1, residues 257-277): PHMLMSQRVI[Ala267Val]PNPAQLQGQR